The following is an entry in ClinVar:

ClinVar aggregate classification (germline): Conflicting classifications of pathogenicity. Review status: criteria provided, conflicting classifications (1 of 4 stars). 7 submissions from 7 submitters: Uncertain significance (3); Benign (1); Likely benign (1). 2 of the submissions do not count toward it. Last evaluated 2026-04-30.

Conditions:
SMAD9-related disorder. Also called: SMAD9-related condition.
Pulmonary hypertension, primary, 2. Identifiers: Orphanet 422, MedGen C3888002, MONDO:0014134, OMIM 615342.

Allele frequency attached by ClinVar (database versions not stated): TOPMed 0.00078; ESP Exome Variant Server 0.00092; 1000 Genomes Project 0.00100; 1000 Genomes Project 30x 0.00109; gnomAD 0.00118 and 0.00121; gnomAD exomes 0.00134 and 0.00157; ExAC 0.00139.
gnomAD v4.1: 2,455 of 1,614,152 alleles (0.15%); highest among the groups gnomAD compares: Non-Finnish European, 0.18%; 5 homozygotes.

Submissions (7):

PreventionGenetics, part of Exact Sciences
Classification: Likely benign for SMAD9-related condition. Last evaluated: 2026-04-30. Review status: criteria provided, single submitter. Criteria: ACMG Guidelines, 2015. Collection method: clinical testing. Allele origin: germline.
Comment: This variant is classified as likely benign based on ACMG/AMP sequence variant interpretation guidelines (Richards et al. 2015 PMID: 25741868, with internal and published modifications).

Labcorp Genetics (formerly Invitae), Labcorp
Classification: Benign for Pulmonary hypertension, primary, 2. Last evaluated: 2026-01-26. Review status: criteria provided, single submitter. Criteria: Invitae Variant Classification Sherloc (09022015). Collection method: clinical testing. Allele origin: germline.

ARUP Laboratories, Molecular Genetics and Genomics, ARUP Laboratories
Classification: Uncertain significance for Pulmonary hypertension, primary, 2. Last evaluated: 2023-11-29. Review status: criteria provided, single submitter. Criteria: ARUP Molecular Germline Variant Investigation Process 2024. Collection method: clinical testing. Allele origin: germline.
Comment: The SMAD9 c.65T>C; p.Leu22Pro variant (rs111748421) is reported in the literature in individuals affected with unexplained high bone mass (Gregson 2019). This variant is reported in ClinVar (Variation ID: 213811), and is found in the general population with an overall allele frequency of 0.14% (387/282856 alleles, including 4 homozygotes) in the Genome Aggregation Database. The leucine at codon 22 is highly conserved, and computational analyses predict that this variant is deleterious (REVEL: 0.878). Due to limited information, the clinical significance of the p.Leu22Pro variant is uncertain at this time. References: Gregson CL et al. A rare SMAD9 mutation identifies the BMP signaling pathway as a potential osteoanabolic target. J Bone Miner Res. 2020 Jan;35(1):92-105. PMID: 31525280

Laboratory for Molecular Medicine, Mass General Brigham Personalized Medicine
Classification: Uncertain significance. Last evaluated: 2017-03-06. Review status: criteria provided, single submitter. Criteria: LMM Criteria. Collection method: clinical testing. Allele origin: germline. Observed: 1 variant allele.
Comment: Variant classified as Uncertain Significance - Favor Benign. The p.Leu22Pro vari ant in SMAD9 has not been previously reported in individuals with pulmonary hype rtension, but has been identified in 0.2% (152/66658) of European chromosomes by the Exome Aggregation Consortium (ExAC; dbSNP r s111748421). This variant has also been identified in ClinVar (Variant ID: 21381 1). Computational prediction tools and conservation analysis suggest that the p. Leu22Pro variant may impact the protein, though this information is not predicti ve enough to determine pathogenicity. In summary, while the clinical significanc e of the p.Leu22Pro variant is uncertain, its frequency suggests that it is more likely to be benign.

GeneDx
Classification: Uncertain significance. Last evaluated: 2014-07-21. Review status: criteria provided, single submitter. Criteria: GeneDx Variant Classification (06012015). Collection method: clinical testing. Allele origin: germline. Affected: yes.
Comment: p.Leu22Pro (CTA>CCA): c.65 T>C in exon 2 of the SMAD9 gene (NM_001127217.2). A variant of unknown significance has been identified in the SMAD9 gene. To our knowledge, the L22P variant has not been published as a mutation nor as a benign polymorphism. The L22P variant is a semi-conservative amino acid substitution, which may impact secondary protein structure as these residues differ in some properties. This substitution occurs at a position that is conserved across species, and in silico analysis predicts this variant is probably damaging to the protein structure/function. However, the NHLBI Exome Sequencing Project and the 1000 Genomes Project identified L22P in 0.1%-0.6% of alleles from individuals of European background (of note, L22P was detected in 3/168 or 1.8% of alleles in Utah Residents with Northern and Western European ancestry), indicating it may be a rare benign variant in this population. Additionally, missense mutations in nearby residues have not been reported, indicating this region of the protein may tolerate change. Therefore, based on the currently available information, it is unclear whether this variant is a pathogenic mutation or a rare benign variant. This variant was found in PAH-ARRHYTHMIA

Clinical Genetics DNA and cytogenetics Diagnostics Lab, Erasmus MC, Erasmus Medical Center
Classification: Uncertain significance. Review status: no assertion criteria provided. Collection method: clinical testing. Allele origin: germline. Affected: yes. Study: VKGL Data-share Consensus. Not counted in ClinVar's aggregate classification.

Laboratory of Diagnostic Genome Analysis, Leiden University Medical Center (LUMC)
Classification: Uncertain significance. Review status: no assertion criteria provided. Collection method: clinical testing. Allele origin: germline. Affected: yes. Study: VKGL Data-share Consensus. Not counted in ClinVar's aggregate classification.

NM_001127217.3(SMAD9):c.65T>C (p.Leu22Pro)

Gene: SMAD9 (SMAD family member 9; minus strand). Cytogenetic location: 13q13.3.
Variant type: single nucleotide variant.
Coding change: c.65T>C on transcript NM_001127217.3 (MANE Select); coding-DNA position 65, T replaced by C.
Protein change: p.Leu22Pro; replaces leucine 22 with proline.
Molecular consequence: missense variant.
Genome position (GRCh38, 1-based): chr13:36,879,625, A>G on the plus strand (T>C on the coding strand, the complement: SMAD9 is on the minus strand). VCF-style: chr13-36879625-A-G. GRCh37 (hg19) VCF-style: chr13-37453762-A-G.
Other names: p.L22P:CTA>CCA; c.65T>C, p.Leu22Pro (NM_001378621.1, NM_005905.6); short protein forms L22P.
Identifiers: ClinVar variation 213811 (VCV000213811.21), dbSNP rs111748421, ClinGen allele CA324298.